The following is an entry in ClinVar:

ClinVar aggregate classification (germline): Pathogenic (1 of 4 stars; one submission).

Conditions:
Kabuki syndrome. Also called: Kabuki make-up syndrome; NIIKAWA-KUROKI SYNDROME. Identifiers: Orphanet 2322, MedGen C0796004, MONDO:0016512.

Submission:

Labcorp Genetics (formerly Invitae), Labcorp
Classification: Pathogenic for Kabuki syndrome. Last evaluated: 2022-07-04. Review status: criteria provided, single submitter. Criteria: Invitae Variant Classification Sherloc (09022015). Collection method: clinical testing. Allele origin: germline.
Comment: This sequence change creates a premature translational stop signal (p.Gln3609*) in the KMT2D gene. It is expected to result in an absent or disrupted protein product. Loss-of-function variants in KMT2D are known to be pathogenic (PMID: 22126750). For these reasons, this variant has been classified as Pathogenic. This variant has not been reported in the literature in individuals affected with KMT2D-related conditions. This variant is not present in population databases (gnomAD no frequency).

Literature cited by the submitters: PubMed 22126750.

NM_003482.4(KMT2D):c.10825C>T (p.Gln3609Ter)

Gene: KMT2D (lysine methyltransferase 2D; minus strand). Cytogenetic location: 12q13.12.
Variant type: single nucleotide variant.
Coding change: c.10825C>T on transcript NM_003482.4 (MANE Select); coding-DNA position 10825, C replaced by T.
Protein change: p.Gln3609Ter; replaces glutamine 3609 with a stop codon.
Molecular consequence: nonsense.
Genome position (GRCh38, 1-based): chr12:49,033,880, G>A on the plus strand (C>T on the coding strand, the complement: KMT2D is on the minus strand). VCF-style: chr12-49033880-G-A. GRCh37 (hg19) VCF-style: chr12-49427663-G-A.
Other names: short protein forms Q3609*.
Identifiers: ClinVar variation 2014035 (VCV002014035.4), dbSNP rs2498366571, ClinGen allele CA384725789.